The following is an entry in ClinVar:

ClinVar aggregate classification (germline): Uncertain significance. Review status: criteria provided, multiple submitters, no conflicts (2 of 4 stars). 2 submissions from 2 submitters: Uncertain significance (2). Last evaluated 2026-07-01.

Conditions:
Hereditary cancer-predisposing syndrome. Also called: Hereditary Cancer Syndrome; Tumor predisposition; Neoplastic Syndromes, Hereditary; Hereditary neoplastic syndrome. Identifiers: Orphanet 140162, MedGen C0027672, MeSH D009386, MONDO:0015356.
Hereditary nonpolyposis colorectal neoplasms. Identifiers: MedGen C0009405, MeSH D003123.

Submissions (2):

Ambry Genetics
Classification: Uncertain significance for Hereditary cancer-predisposing syndrome. Last evaluated: 2026-07-01. Review status: criteria provided, single submitter. Criteria: Ambry Variant Classification Scheme 2023. Collection method: clinical testing. Allele origin: germline.
Comment: The p.S227R variant (also known as c.681T>G), located in coding exon 4 of the MSH6 gene, results from a T to G substitution at nucleotide position 681. The serine at codon 227 is replaced by arginine, an amino acid with dissimilar properties. This amino acid position is conserved. In addition, this alteration is predicted to be tolerated by in silico analysis. Based on the available evidence, the clinical significance of this variant remains unclear.

Labcorp Genetics (formerly Invitae), Labcorp
Classification: Uncertain significance for Hereditary nonpolyposis colorectal neoplasms. Last evaluated: 2022-12-14. Review status: criteria provided, single submitter. Criteria: Invitae Variant Classification Sherloc (09022015). Collection method: clinical testing. Allele origin: germline.
Comment: This sequence change replaces serine, which is neutral and polar, with arginine, which is basic and polar, at codon 227 of the MSH6 protein (p.Ser227Arg). This variant is not present in population databases (gnomAD no frequency). In summary, the available evidence is currently insufficient to determine the role of this variant in disease. Therefore, it has been classified as a Variant of Uncertain Significance. Advanced modeling of protein sequence and biophysical properties (such as structural, functional, and spatial information, amino acid conservation, physicochemical variation, residue mobility, and thermodynamic stability) performed at Invitae indicates that this missense variant is not expected to disrupt MSH6 protein function. ClinVar contains an entry for this variant (Variation ID: 1520225). This variant has not been reported in the literature in individuals affected with MSH6-related conditions.

NM_000179.3(MSH6):c.681T>G (p.Ser227Arg)

Gene: MSH6 (mutS homolog 6; plus strand). Cytogenetic location: 2p16.3.
Variant type: single nucleotide variant.
Coding change: c.681T>G on transcript NM_000179.3 (MANE Select); coding-DNA position 681, T replaced by G.
Protein change: p.Ser227Arg; replaces serine 227 with arginine.
Molecular consequence: missense variant. On other transcripts: 5 prime UTR variant (2).
Genome position (GRCh38, 1-based): chr2:47,798,664, T>G. VCF-style: chr2-47798664-T-G. GRCh37 (hg19) VCF-style: chr2-48025803-T-G.
Other names: c.291T>G, p.Ser97Arg (NM_001281492.2); c.-226T>G (NM_001281493.2, NM_001281494.2); c.681T>G (NM_000179.2); short protein forms S97R, S227R.
Identifiers: ClinVar variation 1520225 (VCV001520225.9), dbSNP rs2104290784, ClinGen allele CA346739887.